The following is an entry in ClinVar:

NM_030973.4(MED25):c.2088G>A (p.Leu696=)

Gene: MED25 (mediator complex subunit 25; plus strand). Cytogenetic location: 19q13.33.
Variant type: single nucleotide variant.
Coding change: c.2088G>A on transcript NM_030973.4 (MANE Select); coding-DNA position 2088, G replaced by A.
Protein change: p.Leu696=; no amino-acid change (leucine 696 retained).
Molecular consequence: synonymous variant.
Genome position (GRCh38, 1-based): chr19:49,836,348, G>A. VCF-style: chr19-49836348-G-A. GRCh37 (hg19) VCF-style: chr19-50339605-G-A.
Other names: c.2088G>A, p.Leu696= (NM_001378355.1).
Identifiers: ClinVar variation 221058 (VCV000221058.66), dbSNP rs371157406, ClinGen allele CA348772.
Genomic context (GRCh38, chr19:49,836,348, plus strand): 5'-TGCGCTGCTGCCTCCGCCGCACCAGGGCCTGGGGCAGCCCCAGTTGGGGCCCCCACTCCT[G>A]CATCCACCACCTGCCCAGTCCTGGCCCGCACAACTTCCCCCTCGGGCTCCACTGCCAGGT-3'
Protein context (NP_112235.2, residues 686-706): LGQPQLGPPL[Leu696=]HPPPAQSWPA

ClinVar aggregate classification (germline): Benign/Likely benign. Review status: criteria provided, multiple submitters, no conflicts (2 of 4 stars). 9 submissions from 9 submitters: Benign (3); Likely benign (3). 3 of the submissions do not count toward it. Last evaluated 2026-02-01.

Conditions:
Congenital cataract-microcephaly-nevus flammeus simplex-severe intellectual disability syndrome. Also called: Basel-Vanagaite-Smirin-Yosef syndrome. Identifiers: Orphanet 464738, MedGen C4225323, MONDO:0014643, OMIM 616449.
Charcot-Marie-Tooth disease. Also called: Charcot-Marie-Tooth Hereditary Neuropathy; Charcot-Marie-Tooth Neuropathy. Identifiers: Orphanet 166, MedGen C0007959, MONDO:0015626.
Charcot-Marie-Tooth disease type 2. Also called: Charcot-Marie-Tooth type 2. Identifiers: Orphanet 64746, MedGen C0270914, MONDO:0018993.
Polyneuropathy. Identifiers: MedGen C0152025, MONDO:0001824, HP:0001271.

Allele frequency attached by ClinVar (database versions not stated): 1000 Genomes Project 0.00020; 1000 Genomes Project 30x 0.00047; ESP Exome Variant Server 0.00217; TOPMed 0.00232; gnomAD 0.00238 and 0.00252; gnomAD exomes 0.00268 and 0.00309; ExAC 0.00307.

Submissions (9):

Labcorp Genetics (formerly Invitae), Labcorp
Classification: Benign for Charcot-Marie-Tooth disease type 2. Last evaluated: 2026-02-01. Review status: criteria provided, single submitter. Criteria: Invitae Variant Classification Sherloc (09022015). Collection method: clinical testing. Allele origin: germline.

CeGaT Center for Human Genetics Tuebingen
Classification: Likely benign. Last evaluated: 2026-01-01. Review status: criteria provided, single submitter. Criteria: CeGaT Center For Human Genetics Tuebingen Variant Classification Criteria Version 2. Collection method: clinical testing. Allele origin: germline. Affected: yes. Observed: 13 variant alleles.
Comment: MED25: BP4, BS2

ARUP Laboratories, Molecular Genetics and Genomics, ARUP Laboratories
Classification: Benign for Congenital cataract-microcephaly-nevus flammeus simplex-severe intellectual disability syndrome. Last evaluated: 2025-05-21. Review status: criteria provided, single submitter. Criteria: ARUP Molecular Germline Variant Investigation Process 2024. Collection method: clinical testing. Allele origin: germline.

Blueprint Genetics
Classification: Likely benign. Last evaluated: 2024-11-27. Review status: criteria provided, single submitter. Criteria: ACMG Guidelines, 2015. Collection method: clinical testing. Allele origin: germline.

Breakthrough Genomics
Classification: Likely benign. Review status: criteria provided, single submitter. Criteria: ACMG Guidelines, 2015. Collection method: not provided. Allele origin: germline. Inheritance: Autosomal recessive inheritance. Affected: yes.

Molecular Genetics Laboratory, London Health Sciences Centre
Classification: Benign for Charcot-Marie-Tooth disease. Review status: criteria provided, single submitter. Criteria: ACMG Guidelines, 2015. Collection method: clinical testing. Allele origin: germline. Affected: yes.

Clinical Genetics DNA and cytogenetics Diagnostics Lab, Erasmus MC, Erasmus Medical Center
Classification: Likely benign. Review status: no assertion criteria provided. Collection method: clinical testing. Allele origin: germline. Affected: yes. Study: VKGL Data-share Consensus. Not counted in ClinVar's aggregate classification.

Clinical Genetics, Academic Medical Center
Classification: Benign. Review status: no assertion criteria provided. Collection method: clinical testing. Allele origin: germline. Affected: yes. Study: VKGL Data-share Consensus. Not counted in ClinVar's aggregate classification.

Institute of Human Genetics, University of Wuerzburg
Classification: Uncertain significance for Polyneuropathy. Review status: no assertion criteria provided. Collection method: clinical testing. Allele origin: unknown. Not counted in ClinVar's aggregate classification.